The following is an entry in ClinVar:

NM_001082486.2(ACD):c.944C>A (p.Pro315His)

Gene: ACD (ACD shelterin complex subunit and telomerase recruitment factor; minus strand). Cytogenetic location: 16q22.1.
Variant type: single nucleotide variant.
Coding change: c.944C>A on transcript NM_001082486.2 (MANE Select); coding-DNA position 944, C replaced by A.
Protein change: p.Pro315His; replaces proline 315 with histidine.
Molecular consequence: missense variant.
Genome position (GRCh38, 1-based): chr16:67,658,248, G>T on the plus strand (C>A on the coding strand, the complement: ACD is on the minus strand). VCF-style: chr16-67658248-G-T. GRCh37 (hg19) VCF-style: chr16-67692151-G-T.
Other names: c.935C>A, p.Pro312His (NM_022914.3); short protein forms P312H, P315H.
Identifiers: ClinVar variation 1360559 (VCV001360559.10), dbSNP rs147306863, ClinGen allele CA8114477.

ClinVar aggregate classification (germline): Uncertain significance. Review status: criteria provided, multiple submitters, no conflicts (2 of 4 stars). 2 submissions from 2 submitters: Uncertain significance (2). Last evaluated 2025-12-08.

Conditions:
Inborn genetic diseases. Identifiers: MedGen C0950123, MeSH D030342.
Dyskeratosis congenita, autosomal dominant 6 (DKCA6). Identifiers: Orphanet 3322, MedGen C4225284, MONDO:0014690, OMIM 616553.

Allele frequency attached by ClinVar (database versions not stated): gnomAD exomes 0.00001 and 0.00003; ExAC 0.00002; TOPMed 0.00003; gnomAD 0.00004; ESP Exome Variant Server 0.00008; 1000 Genomes Project 0.00020; 1000 Genomes Project 30x 0.00031.
gnomAD v4.1: 13 of 1,613,584 alleles (0.00081%); highest among the groups gnomAD compares: East Asian, 0.013%; no homozygotes.

Submissions (2):

Labcorp Genetics (formerly Invitae), Labcorp
Classification: Uncertain significance for Dyskeratosis congenita, autosomal dominant 6. Last evaluated: 2025-12-08. Review status: criteria provided, single submitter. Criteria: Invitae Variant Classification Sherloc (09022015). Collection method: clinical testing. Allele origin: germline.
Comment: This sequence change replaces proline, which is neutral and non-polar, with histidine, which is basic and polar, at codon 401 of the ACD protein (p.Pro401His). This variant is present in population databases (rs147306863, gnomAD 0.02%). This variant has not been reported in the literature in individuals affected with ACD-related conditions. ClinVar contains an entry for this variant (Variation ID: 1360559). Invitae Evidence Modeling of protein sequence and biophysical properties (such as structural, functional, and spatial information, amino acid conservation, physicochemical variation, residue mobility, and thermodynamic stability) indicates that this missense variant is not expected to disrupt ACD protein function with a negative predictive value of 80%. In summary, the available evidence is currently insufficient to determine the role of this variant in disease. Therefore, it has been classified as a Variant of Uncertain Significance.

Ambry Genetics
Classification: Uncertain significance for Inborn genetic diseases. Last evaluated: 2021-09-08. Review status: criteria provided, single submitter. Criteria: Ambry Variant Classification Scheme 2023. Collection method: clinical testing. Allele origin: germline.
Comment: The p.P401H variant (also known as c.1202C>A), located in coding exon 10 of the ACD gene, results from a C to A substitution at nucleotide position 1202. The proline at codon 401 is replaced by histidine, an amino acid with similar properties. This amino acid position is conserved. In addition, this alteration is predicted to be tolerated by in silico analysis. Since supporting evidence is limited at this time, the clinical significance of this alteration remains unclear.